The following is an entry in ClinVar:

NM_001005242.3(PKP2):c.811G>T (p.Val271Phe)

Gene: PKP2 (plakophilin 2; minus strand). Cytogenetic location: 12p11.21.
Variant type: single nucleotide variant.
Coding change: c.811G>T on transcript NM_001005242.3 (MANE Select); coding-DNA position 811, G replaced by T.
Protein change: p.Val271Phe; replaces valine 271 with phenylalanine.
Molecular consequence: missense variant.
Genome position (GRCh38, 1-based): chr12:32,878,069, C>A on the plus strand (G>T on the coding strand, the complement: PKP2 is on the minus strand). VCF-style: chr12-32878069-C-A. GRCh37 (hg19) VCF-style: chr12-33031003-C-A.
Other names: c.811G>T, p.Val271Phe (NM_004572.4); short protein forms V271F.
Identifiers: ClinVar variation 921150 (VCV000921150.4), dbSNP rs876657953, ClinGen allele CA384362353.

ClinVar aggregate classification (germline): Uncertain significance (1 of 4 stars; one submission).

Conditions:
Cardiomyopathy (CMYO). Also called: Cardiomyopathies. Identifiers: Orphanet 167848, MedGen C0878544, MONDO:0004994, HP:0001638. Inheritance: Various modes of inheritance.

Submission:

Color Diagnostics, LLC DBA Color Health
Classification: Uncertain significance for Cardiomyopathy. Last evaluated: 2023-12-04. Review status: criteria provided, single submitter. Criteria: ACMG Guidelines, 2015. Collection method: clinical testing. Allele origin: germline.
Comment: This missense variant replaces valine with phenylalanine at codon 271 of the PKP2 protein. Computational prediction suggests that this variant may not impact protein structure and function (internally defined REVEL score threshold <= 0.5, PMID: 27666373). To our knowledge, functional studies have not been reported for this variant. This variant has not been reported in individuals affected with PKP2-related disorders in the literature. This variant has not been identified in the general population by the Genome Aggregation Database (gnomAD). The available evidence is insufficient to determine the role of this variant in disease conclusively. Therefore, this variant is classified as a Variant of Uncertain Significance.